The following is an entry in ClinVar:

NM_001346249.2(RALGAPA1):c.1409_1410del (p.Asp470fs)

Gene: RALGAPA1 (Ral GTPase activating protein catalytic subunit alpha 1; minus strand). Cytogenetic location: 14q13.2.
Variant type: Deletion.
Coding change: c.1409_1410del on transcript NM_001346249.2 (MANE Select); coding-DNA positions 1409 to 1410, 2 bases deleted (AC; older notation c.1409_1410delAC).
Protein change: p.Asp470fs; shifts the reading frame from aspartic acid 470.
Molecular consequence: frameshift variant.
Genome position (GRCh38, 1-based): chr14:35,742,407-35,742,408, GT deleted on the plus strand (AC on the coding strand, the reverse complement: RALGAPA1 is on the minus strand). VCF-style (leftmost placement, unchanged base first): chr14-35742406-GGT-G. GRCh37 (hg19) VCF-style: chr14-36211612-GGT-G.
Other names: c.1409_1410del, p.Asp470fs (NM_001283043.3, NM_001283044.3, NM_001330075.3 and 7 more transcripts); short protein forms D470fs.
Identifiers: ClinVar variation 1333352 (VCV001333352.1), dbSNP rs2141163549, ClinGen allele CA2573053902.

ClinVar aggregate classification (germline): Pathogenic (1 of 4 stars; one submission).

Conditions:
Neurodevelopmental disorder with hypotonia, neonatal respiratory insufficiency, and thermodysregulation. Identifiers: MedGen C5394091, MONDO:0032921, OMIM 618797.

Submission:

3billion
Classification: Pathogenic for Neurodevelopmental disorder with hypotonia, neonatal respiratory insufficiency, and thermodysregulation. Last evaluated: 2022-01-03. Review status: criteria provided, single submitter. Criteria: ACMG Guidelines, 2015. Collection method: clinical testing. Allele origin: germline. Affected: yes. Observed: 1 homozygote.
Comment: Frameshift: predicted to result in a loss or disruption of normal protein function through nonsense-mediated decay (NMD) or protein truncation. Multiple pathogenic variants are reported downstream of the variant (PVS1_VS). It is not observed in the gnomAD v2.1.1 dataset (PM2_M). Patient’s phenotype is considered compatible with RALGAPA1-related disorder (PP4_P). Therefore, this variant is classified as pathogenic according to the recommendation of ACMG/AMP guideline.